The following is an entry in ClinVar:

ClinVar aggregate classification (germline): Uncertain significance (1 of 4 stars; one submission).

Conditions:
Hereditary cancer-predisposing syndrome. Also called: Neoplastic Syndromes, Hereditary; Tumor predisposition; Hereditary Cancer Syndrome; Hereditary neoplastic syndrome. Identifiers: Orphanet 140162, MedGen C0027672, MeSH D009386, MONDO:0015356.

Submission:

Ambry Genetics
Classification: Uncertain significance for Hereditary cancer-predisposing syndrome. Last evaluated: 2026-01-06. Review status: criteria provided, single submitter. Criteria: Ambry Variant Classification Scheme 2023. Collection method: clinical testing. Allele origin: germline.
Comment: The p.S1069P variant (also known as c.3205T>C), located in coding exon 10 of the BRCA2 gene, results from a T to C substitution at nucleotide position 3205. The serine at codon 1069 is replaced by proline, an amino acid with similar properties. This amino acid position is well conserved in available vertebrate species. In addition, this alteration is predicted to be tolerated by in silico analysis. Based on the available evidence, the clinical significance of this variant remains unclear.

NM_000059.4(BRCA2):c.3205T>C (p.Ser1069Pro)

Gene: BRCA2 (BRCA2 DNA repair associated; plus strand). Cytogenetic location: 13q13.1.
Variant type: single nucleotide variant.
Coding change: c.3205T>C on transcript NM_000059.4 (MANE Select); coding-DNA position 3205, T replaced by C.
Protein change: p.Ser1069Pro; replaces serine 1069 with proline.
Molecular consequence: missense variant. On other transcripts: non-coding transcript variant (1), intron variant (2).
Genome position (GRCh38, 1-based): chr13:32,337,560, T>C. VCF-style: chr13-32337560-T-C. GRCh37 (hg19) VCF-style: chr13-32911697-T-C.
Other names: c.3205T>C, p.Ser1069Pro (NM_001406719.1, NM_001406720.1, NM_001432077.1); c.1909+4173T>C (NM_001406721.1); c.424+6530T>C (NM_001406722.1); short protein forms S1069P.
Identifiers: ClinVar variation 4842971 (VCV004842971.1).